The following is an entry in ClinVar:

NM_130839.5(UBE3A):c.2125-1G>A

Genes: SNHG14 (small nucleolar RNA host gene 14; plus strand), UBE3A (ubiquitin protein ligase E3A; minus strand). Cytogenetic location: 15q11.2.
Variant type: single nucleotide variant.
Coding change: c.2125-1G>A on transcript NM_130839.5 (MANE Select); the canonical splice acceptor site of the intron before coding-DNA position 2125, G replaced by A.
Molecular consequence: splice acceptor variant. On other transcripts: intron variant (3).
Genome position (GRCh38, 1-based): chr15:25,354,684, C>T on the plus strand (G>A on the coding strand, the complement: UBE3A is on the minus strand). VCF-style: chr15-25354684-C-T. GRCh37 (hg19) VCF-style: chr15-25599831-C-T.
Other names: c.1948-1G>A (NM_001354546.2); c.1900-1G>A (NM_001354549.2); c.2065-258G>A (NM_001354548.2, NM_001354547.2); c.2065-1G>A (NM_130838.4, NM_001354542.2, NM_001354523.2 and 14 more transcripts); c.874-1G>A (NM_001354550.2); c.2125-258G>A (NM_001354545.2); c.2125-1G>A (NM_001354538.2, NM_001354505.1); c.2134-1G>A (NM_000462.5); and 1 more.
Identifiers: ClinVar variation 421239 (VCV000421239.6), dbSNP rs1064795001, ClinGen allele CA16619904.

ClinVar aggregate classification (germline): Likely pathogenic. Review status: reviewed by expert panel (3 of 4 stars). 2 submissions from 2 submitters: Likely pathogenic (1). 1 of the submissions does not count toward it. Last evaluated 2026-04-23.

Conditions:
Angelman syndrome (AS). Also called: HAPPY PUPPET SYNDROME. Identifiers: Orphanet 72, MedGen C0162635, MONDO:0007113, OMIM 105830. Disease mechanism: loss of function. Inheritance: AS is caused by disruption of maternally imprinted UBE3A located within the 15q11.2-q13 Angelman syndrome/Prader-Willi syndrome (AS/PWS) region., imprinting disorder.

Submissions (2):

ClinGen Rett and Angelman-like Disorders Variant Curation Expert Panel
Classification: Likely pathogenic for Angelman syndrome. Last evaluated: 2026-04-23. Review status: reviewed by expert panel. Criteria: ClinGen RettAS ACMG Specifications UBE3A V6.0.0. Collection method: curation. Allele origin: germline. Inheritance: Autosomal dominant inheritance.
Comment: The c.2065-1G>A variant in UBE3A is predicted to affect a canonical splice site and lead to a truncated or absent protein in a gene where loss-of-function is an established mechanism. However, this splice site variant may result in an in-frame loss of the corresponding exon in which pathogenic variants have been observed in affected individuals (PVS1_Strong). The c.2125-1G>A variant in UBE3A is absent from gnomAD v4.1.1 (PM2_Supporting). The variant has been reported to segregate in two informative meioses (internal database) (PP1). In summary, the c.2065-1G>A variant in UBE3A is classified as likely pathogenic for Angelman syndrome based on the ACMG/AMP criteria (PVS1_strong, PM2_supporting, PP1). (UBE3A Specifications v6.0; curation approved on 4/23/2026)

GeneDx
Classification: Likely pathogenic. Last evaluated: 2016-05-16. Review status: criteria provided, single submitter. Criteria: GeneDx Variant Classification (06012015). Collection method: clinical testing. Allele origin: germline. Affected: yes. Not counted in ClinVar's aggregate classification.
Comment: The c.2065-1G>A variant in the UBE3A gene has not been reported previously as a pathogenic variant nor as a benign variant, to our knowledge. This splice site variant destroys the canonical splice acceptor site in intron 6. It is predicted to cause in-frame skipping of exon 7, resulting in an in-frame protein product with an abnormal message. However, in the absence of RNA/functional studies, the actual effect of c.2065-1G>A is unknown. The c.2065-1G>A variant was not observed in approximately 6500 individuals of European and African American ancestry in the NHLBI Exome Sequencing Project, indicating it is not a common benign variant in these populations. Furthermore, another splice variant (c.2065-2A>C) at the same canonical splice site and a missense variant in exon 7, are both associated with Angelman syndrome (Stenson et al., 2014). Therefore, we interpret c.2065-1G>A as a likely pathogenic variant.